The following is an entry in ClinVar:

ClinVar aggregate classification (germline): Conflicting classifications of pathogenicity. Review status: criteria provided, conflicting classifications (1 of 4 stars). 19 submissions from 19 submitters: Uncertain significance (7); Benign (1); Likely benign (7). 4 of the submissions do not count toward it. Last evaluated 2026-01-30.

Conditions:
Inherited breast cancer and ovarian cancer.
BRCA2-related disorder. Also called: BRCA2-related condition; BRCA2-related disorders. Identifiers: MedGen CN239275.
Hereditary cancer-predisposing syndrome. Also called: Hereditary Cancer Syndrome; Neoplastic Syndromes, Hereditary; Hereditary neoplastic syndrome; Tumor predisposition. Identifiers: Orphanet 140162, MedGen C0027672, MeSH D009386, MONDO:0015356.
Hereditary breast ovarian cancer syndrome. Also called: Hereditary breast and ovarian cancer syndrome; Breast and ovarian cancer; BRCA1- and BRCA2-Associated Hereditary Breast and Ovarian Cancer; Hereditary breast and/or ovarian cancer syndrome; Hereditary breast and ovarian cancer; Hereditary breast and ovarian cancer syndrome (HBOC). Identifiers: Orphanet 145, MedGen C0677776, MeSH D061325, MONDO:0003582. Disease mechanism: loss of function.
Breast-ovarian cancer, familial, susceptibility to, 2 (BROVCA2). Also called: BRCA2 Hereditary Breast and Ovarian Cancer. Identifiers: Orphanet 145, MedGen C2675520, MONDO:0012933, OMIM 612555. Disease mechanism: loss of function.
Malignant tumor of breast. Also called: Malignant breast neoplasm; Cancer breast. Identifiers: MedGen C0006142, MONDO:0007254. Disease mechanism: loss of function.

Allele frequency attached by ClinVar (database versions not stated): gnomAD 0.00002 and 0.00003; TOPMed 0.00002; ExAC 0.00009; gnomAD exomes 0.00009; ESP Exome Variant Server 0.00015.

Submissions 1 to 15 of 19:

Cambridge Genomics Laboratory, East Genomic Laboratory Hub, NHS Genomic Medicine Service
Classification: Likely benign for Inherited breast cancer and ovarian cancer. Last evaluated: 2026-01-30. Review status: criteria provided, single submitter. Criteria: ACGS Best Practice Guidelines for Variant Classification in Rare Disease 2020. Collection method: clinical testing. Allele origin: germline. Affected: yes.
Comment: BP1_Strong,BP4

Labcorp Genetics (formerly Invitae), Labcorp
Classification: Likely benign for Hereditary breast ovarian cancer syndrome. Last evaluated: 2026-01-19. Review status: criteria provided, single submitter. Criteria: Invitae Variant Classification Sherloc (09022015). Collection method: clinical testing. Allele origin: germline.

Quest Diagnostics Nichols Institute San Juan Capistrano
Classification: Uncertain significance. Last evaluated: 2025-07-23. Review status: criteria provided, single submitter. Criteria: Quest Diagnostics criteria. Collection method: clinical testing. Allele origin: unknown.
Comment: The BRCA2 c.10089A>G (p.Ile3363Met) variant has been reported in the published literature in individuals with personal and/or family history of breast cancer (PMIDs: 37415649 (2023), 31159747 (2019)) and ovarian cancer (PMIDs: 30555256 (2018), 24504028 (2014)). This variant has been identified in reportedly unaffected individuals (PMID: 33471991 (2021), see also LOVD). The frequency of this variant in the general population (Genome Aggregation Database) is higher than would generally be expected for pathogenic variants in this gene. Analysis of this variant using bioinformatics tools for the prediction of the effect of amino acid changes on protein structure and function yielded predictions that this variant is benign. Based on the available information, we are unable to determine the clinical significance of this variant.

Center for Genomic Medicine, Rigshospitalet, Copenhagen University Hospital
Classification: Benign. Last evaluated: 2025-03-04. Review status: criteria provided, single submitter. Criteria: ACMG Guidelines, 2015. Collection method: clinical testing. Allele origin: germline.

Blueprint Genetics
Classification: Likely benign. Last evaluated: 2024-10-18. Review status: criteria provided, single submitter. Criteria: ACMG Guidelines, 2015. Collection method: clinical testing. Allele origin: germline.

PreventionGenetics, part of Exact Sciences
Classification: Likely benign for BRCA2-related condition. Last evaluated: 2024-10-11. Review status: criteria provided, single submitter. Criteria: ACMG Guidelines, 2015. Collection method: clinical testing. Allele origin: germline.
Comment: This variant is classified as likely benign based on ACMG/AMP sequence variant interpretation guidelines (Richards et al. 2015 PMID: 25741868, with internal and published modifications).

St. Jude Molecular Pathology, St. Jude Children's Research Hospital
Classification: Uncertain significance for Breast-ovarian cancer, familial, susceptibility to, 2. Last evaluated: 2024-02-29. Review status: criteria provided, single submitter. Criteria: St. Jude Assertion Criteria 2020. Collection method: clinical testing. Allele origin: germline.
Comment: The BRCA2 c.10089A>G (p.Ile3363Met) missense change has a maximum subpopulation frequency of 0.065% in gnomAD v2.1.1. The in silico tool REVEL predicts a benign effect on protein function, but to our knowledge this prediction has not been confirmed by functional studies. To our knowledge, this variant has not been reported in individuals with Fanconi anemia. In summary, the evidence currently available is insufficient to determine the clinical significance of this variant. It has therefore been classified as of uncertain significance.

Women's Health and Genetics/Laboratory Corporation of America, LabCorp
Classification: Uncertain significance. Last evaluated: 2024-02-26. Review status: criteria provided, single submitter. Criteria: LabCorp Variant Classification Summary - May 2015. Collection method: clinical testing. Allele origin: germline.
Comment: Variant summary: BRCA2 c.10089A>G (p.Ile3363Met) results in a conservative amino acid change in the encoded protein sequence. Five of five in-silico tools predict a benign effect of the variant on protein function. The variant allele was found at a frequency of 8.8e-05 in 251202 control chromosomes. This frequency is not significantly higher than estimated for a pathogenic variant in BRCA2 causing Hereditary Breast And Ovarian Cancer Syndrome (8.8e-05 vs 0.00075), allowing no conclusion about variant significance. c.10089A>G has been reported in the literature as a VUS in individuals with breast cancer and in settings of multigene cancer panel testing (example, Cunningham_2014, Mehta_2018, Tsaousis_2019). These reports do not provide unequivocal conclusions about association of the variant with Hereditary Breast And Ovarian Cancer Syndrome. Additionally it has been observed in 2/9884 subjects in the FLOSSIES database. To our knowledge, no experimental evidence demonstrating an impact on protein function has been reported. The following publications have been ascertained in the context of this evaluation (PMID: 24504028, 31159747, 30555256). ClinVar contains an entry for this variant (Variation ID: 51039). Based on the evidence outlined above, the variant was classified as VUS-possibly benign.

Mayo Clinic Laboratories, Mayo Clinic
Classification: Uncertain significance. Last evaluated: 2023-06-14. Review status: criteria provided, single submitter. Criteria: ACMG Guidelines, 2015. Collection method: clinical testing. Allele origin: germline. Observed: 1 variant allele.
Comment: BP4

Sema4
Classification: Uncertain significance for Hereditary cancer-predisposing syndrome. Last evaluated: 2022-03-10. Review status: criteria provided, single submitter. Criteria: Sema4 Curation Guidelines. Collection method: curation. Allele origin: germline.
Comment: The BRCA2 c.10089A>G (p.I3363M) variant has been reported in heterozygosity in at least three individuals with ovarian cancer (PMID: 24504028, 30555256). The variant has also been reported in a large case control study in 0/60466 breast cancer cases and in 3/53461 controls (PMID: 33471991). This variant was observed in 20/30604 chromosomes in the South Asian population, with no homozygotes, according to the Genome Aggregation Database (PMID: 32461654). The variant has been reported in ClinVar (Variation ID: 51039). In silico tools suggest the impact of the variant on protein function is benign, though these predictions have not been confirmed by functional studies. The evidence is insufficient to meet ACMG/AMP criteria for classifying the variant as benign or pathogenic. Thus, the clinical significance of this variant is currently uncertain.

Ambry Genetics
Classification: Likely benign for Hereditary cancer-predisposing syndrome. Last evaluated: 2021-07-01. Review status: criteria provided, single submitter. Criteria: Ambry Variant Classification Scheme 2023. Collection method: clinical testing. Allele origin: germline.

Genetic Services Laboratory, University of Chicago
Classification: Uncertain significance. Last evaluated: 2021-05-03. Review status: criteria provided, single submitter. Criteria: ACMG Guidelines, 2015. Collection method: clinical testing. Allele origin: germline. Affected: no.
Comment: DNA sequence analysis of the BRCA2 gene demonstrated a sequence change, c.10089A>G, in exon 27 that results in an amino acid change, p.Ile3363Met. This sequence change has been described in gnomAD with a frequency of 0.065% in the South Asian sub-population (dbSNP rs80358390). The p.Ile3363Met change affects a poorly conserved amino acid residue located in a domain of the BRCA2 protein that is known to be functional. The p.Ile3363Met substitution appears to be benign using several in-silico pathogenicity prediction tools (SIFT, PolyPhen2, Align GVGD, REVEL). This sequence change has been reported in two individuals with ovarian cancer (PMIDs: 30555256). Due to the lack of sufficient evidences and functional studies,, the clinical significance of the p.Ile3363Met change remains unknown at this time.

GeneDx
Classification: Likely benign. Last evaluated: 2019-12-17. Review status: criteria provided, single submitter. Criteria: GeneDx Variant Classification Process June 2021. Collection method: clinical testing. Allele origin: germline. Affected: yes.
Comment: This variant is associated with the following publications: (PMID: 28099906, 24504028, 30555256, 31159747, 10923033, 31131967)

GeneKor MSA
Classification: Uncertain significance for Hereditary cancer-predisposing syndrome. Last evaluated: 2018-08-01. Review status: criteria provided, single submitter. Criteria: ACMG Guidelines, 2015. Collection method: clinical testing. Allele origin: germline. Affected: yes.

Color Diagnostics, LLC DBA Color Health
Classification: Likely benign for Hereditary cancer-predisposing syndrome. Last evaluated: 2016-04-28. Review status: criteria provided, single submitter. Criteria: ACMG Guidelines, 2015. Collection method: clinical testing. Allele origin: germline.

NM_000059.4(BRCA2):c.10089A>G (p.Ile3363Met)

Gene: BRCA2 (BRCA2 DNA repair associated; plus strand). Cytogenetic location: 13q13.1.
Variant type: single nucleotide variant.
Coding change: c.10089A>G on transcript NM_000059.4 (MANE Select); coding-DNA position 10089, A replaced by G.
Protein change: p.Ile3363Met; replaces isoleucine 3363 with methionine.
Molecular consequence: missense variant.
Genome position (GRCh38, 1-based): chr13:32,398,602, A>G. VCF-style: chr13-32398602-A-G. GRCh37 (hg19) VCF-style: chr13-32972739-A-G.
Other names: short protein forms I3363M.
Identifiers: ClinVar variation 51039 (VCV000051039.42), dbSNP rs80358390, ClinGen allele CA010190.